The following is an entry in ClinVar:

ClinVar aggregate classification (germline): Uncertain significance (1 of 4 stars; one submission).

Conditions:
Cardiomyopathy (CMYO). Also called: Cardiomyopathies. Identifiers: Orphanet 167848, MedGen C0878544, MONDO:0004994, HP:0001638. Inheritance: Various modes of inheritance.

Allele frequency attached by ClinVar (database versions not stated): gnomAD exomes below 0.00001; TOPMed below 0.00001.
gnomAD v4.1: 3 of 1,613,616 alleles (0.00019%); highest among the groups gnomAD compares: Admixed American, 0.0017%; no homozygotes.

Submission:

Color Diagnostics, LLC DBA Color Health
Classification: Uncertain significance for Cardiomyopathy. Last evaluated: 2023-12-05. Review status: criteria provided, single submitter. Criteria: ACMG Guidelines, 2015. Collection method: clinical testing. Allele origin: germline.
Comment: This missense variant replaces cysteine with tyrosine at codon 646 of the DSP protein. Computational prediction tools and conservation analyses are inconclusive regarding the impact of this variant on the protein function. Computational splicing tools suggest that this variant may not impact RNA splicing. To our knowledge, functional assays have not been performed for this variant nor has this variant been reported in individuals affected with cardiovascular disorders in the literature. This variant has not been identified in the general population by the Genome Aggregation Database (gnomAD). Available evidence is insufficient to determine the role of this variant in disease conclusively. Therefore, this variant is classified as a Variant of Uncertain Significance.

NM_004415.4(DSP):c.1937G>A (p.Cys646Tyr)

Gene: DSP (desmoplakin; plus strand). Cytogenetic location: 6p24.3.
Variant type: single nucleotide variant.
Coding change: c.1937G>A on transcript NM_004415.4 (MANE Select); coding-DNA position 1937, G replaced by A.
Protein change: p.Cys646Tyr; replaces cysteine 646 with tyrosine.
Molecular consequence: missense variant.
Genome position (GRCh38, 1-based): chr6:7,571,875, G>A. VCF-style: chr6-7571875-G-A. GRCh37 (hg19) VCF-style: chr6-7572108-G-A.
Other names: c.1937G>A, p.Cys646Tyr (NM_001008844.3, NM_001319034.2); short protein forms C646Y.
Identifiers: ClinVar variation 926747 (VCV000926747.5), dbSNP rs977527385, ClinGen allele CA133960289.